The following is an entry in ClinVar:

NM_207037.2(TCF12):c.193C>T (p.Gln65Ter)

Gene: TCF12 (transcription factor 12; plus strand). Cytogenetic location: 15q21.3.
Variant type: single nucleotide variant.
Coding change: c.193C>T on transcript NM_207037.2 (MANE Select); coding-DNA position 193, C replaced by T.
Protein change: p.Gln65Ter; replaces glutamine 65 with a stop codon.
Molecular consequence: nonsense. On other transcripts: 5 prime UTR variant (3).
Genome position (GRCh38, 1-based): chr15:57,063,794, C>T. VCF-style: chr15-57063794-C-T. GRCh37 (hg19) VCF-style: chr15-57355992-C-T.
Other names: c.193C>T, p.Gln65Ter (NM_001322151.2, NM_001322152.2, NM_001322157.3 and 7 more transcripts); c.-460C>T (NM_001322154.2); c.-44C>T (NM_001322156.2, NM_001322158.2); c.229C>T, p.Gln77Ter (NM_001322164.2); short protein forms Q65*, Q77*.
Identifiers: ClinVar variation 4849998 (VCV004849998.1).
Genomic context (GRCh38, chr15:57,063,794, plus strand): 5'-TTTCTTCTCTTTTTAGGTATTGATGAAAGAGGAGGTACAACATCTTGGGGAACAAGTGGT[C>T]AACCAAGTCCTTCCTATGATTCATCTAGAGTAAGTTTGCTGATCAACCCTTGATTAAAGC-3'

ClinVar aggregate classification (germline): Likely pathogenic (1 of 4 stars; one submission).

Conditions:
TCF12-related craniosynostosis. Also called: Craniosynostosis 3. Identifiers: Orphanet 35098, Orphanet 35099, Orphanet 672979, MedGen C3715051, MONDO:0014128, OMIM 615314.

Submission:

Variantyx, Inc.
Classification: Likely pathogenic for TCF12-related craniosynostosis. Last evaluated: 2025-08-20. Review status: criteria provided, single submitter. Criteria: Variantyx Assertion Criteria 2022. Collection method: clinical testing. Allele origin: germline. Inheritance: Autosomal dominant inheritance. Affected: no.
Comment: This is a nonsense variant in the TCF12 gene (OMIM: 600480). Pathogenic variants in this gene have been associated with autosomal dominant craniosynostosis 3. This variant introduces a premature termination codon in exon 4 out of 21 and is expected to result in loss of function, which is a known disease mechanism for TCF12 in this disorder (PMID: 23354436) (PVS1). This variant is absent from control populations (PM2). Based on the current evidence, this variant is classified as likely pathogenic for autosomal dominant craniosynostosis 3. Inheritance from an unaffected parent or a parent with unknown affected status has been reported, consistent with incomplete penetrance (PMID: 23354436, 25271085, 33004838).

Literature cited by the submitters: PubMed 23354436.